The following is an entry in ClinVar:

NM_000382.3(ALDH3A2):c.577del (p.Val193fs)

Gene: ALDH3A2 (aldehyde dehydrogenase 3 family member A2; plus strand). Cytogenetic location: 17p11.2.
Variant type: Deletion.
Coding change: c.577del on transcript NM_000382.3 (MANE Select); coding-DNA position 577, one base deleted (G; older notation c.577delG).
Protein change: p.Val193fs; shifts the reading frame from valine 193.
Molecular consequence: frameshift variant. On other transcripts: 5 prime UTR variant (1).
Genome position (GRCh38, 1-based): chr17:19,656,471, G deleted. VCF-style (leftmost placement, unchanged base first): chr17-19656470-TG-T. GRCh37 (hg19) VCF-style: chr17-19559783-TG-T.
Other names: c.577del, p.Val193fs (NM_001031806.2, NM_001369136.1, NM_001369137.2 and 3 more transcripts); c.-3del (NM_001369148.2); short protein forms V193fs.
Identifiers: ClinVar variation 370896 (VCV000370896.4), dbSNP rs1057516851, ClinGen allele CA16041810.
Genomic context (GRCh38, chr17:19,656,470, plus strand): 5'-GCTCCTGAAGCAGCGATTTGACCACATTTTCTATACGGGAAACACTGCGGTTGGCAAAAT[TG>T]TCATGGAAGCTGCTGCCAAGCATCTGACCCCTGTGACTCTTGAACTGGGAGGGAAAAGTC-3'

ClinVar aggregate classification (germline): Likely pathogenic. Review status: criteria provided, single submitter (1 of 4 stars). 2 submissions from 2 submitters: Likely pathogenic (1). 1 of the submissions does not count toward it. Last evaluated 2025-02-24.

Conditions:
Sjögren-Larsson syndrome (SLS). Also called: ICHTHYOSIS, SPASTIC NEUROLOGIC DISORDER, AND OLIGOPHRENIA; FALDH DEFICIENCY; FATTY ALCOHOL:NAD+ OXIDOREDUCTASE DEFICIENCY; FATTY ALDEHYDE DEHYDROGENASE DEFICIENCY. Identifiers: Orphanet 816, MedGen C0037231, MONDO:0010031, OMIM 270200.

Allele frequency attached by ClinVar (database versions not stated): gnomAD exomes below 0.00001.

Submissions (2):

Natera, Inc.
Classification: Likely pathogenic for Sjögren-Larsson syndrome. Last evaluated: 2025-02-24. Review status: criteria provided, single submitter. Criteria: Natera Variant Classification Schema (03/2026). Collection method: clinical testing. Allele origin: germline.
Comment: The c.577delG variant in ALDH3A2 is a frameshift variant predicted to shift the reading frame beginning at codon 193 and leads to a stop codon 9 codons downstream. This variant is expected to result in nonsense mediated decay, truncation, or a dysfunctional protein product. This variant is rare in the general population with a frequency below the threshold expected for the associated phenotype(s). Given the available evidence, this variant is classified as Likely Pathogenic.

Counsyl
Classification: Likely pathogenic for Sjögren-Larsson syndrome. Last evaluated: 2016-05-09. Review status: no assertion criteria provided. Collection method: clinical testing. Allele origin: unknown. Not counted in ClinVar's aggregate classification.